The following is an entry in ClinVar:

NM_000152.5(GAA):c.2725G>A (p.Val909Met)

Gene: GAA (alpha glucosidase; plus strand). Cytogenetic location: 17q25.3.
Variant type: single nucleotide variant.
Coding change: c.2725G>A on transcript NM_000152.5 (MANE Select); coding-DNA position 2725, G replaced by A.
Protein change: p.Val909Met; replaces valine 909 with methionine.
Molecular consequence: missense variant.
Genome position (GRCh38, 1-based): chr17:80,118,731, G>A. VCF-style: chr17-80118731-G-A. GRCh37 (hg19) VCF-style: chr17-78092530-G-A.
Other names: c.2725G>A (LRG_673t1, NM_000152.4); c.2725G>A, p.Val909Met (NM_001079803.3, NM_001079804.3); short protein forms V909M.
Identifiers: ClinVar variation 456414 (VCV000456414.24), dbSNP rs138407065, ClinGen allele CA8815839.

ClinVar aggregate classification (germline): Uncertain significance. Review status: criteria provided, multiple submitters, no conflicts (2 of 4 stars). 11 submissions from 11 submitters: Uncertain significance (10). 1 of the submissions does not count toward it. Last evaluated 2026-07-01.

Conditions:
Glycogen storage disease, type II (IOPD). Also called: POMPE DISEASE, INFANTILE-ONSET; GLYCOGEN STORAGE DISEASE II, INFANTILE-ONSET; ACID ALPHA-GLUCOSIDASE DEFICIENCY, INFANTILE-ONSET; GAA DEFICIENCY, INFANTILE-ONSET; ACID MALTASE DEFICIENCY, INFANTILE-ONSET; Glucosidase acid-1,4-alpha deficiency. Identifiers: Orphanet 365, MedGen C0017921, MONDO:0009290, OMIM 232300.

Allele frequency attached by ClinVar (database versions not stated): gnomAD 0.00005; ESP Exome Variant Server 0.00008; gnomAD exomes 0.00008 and 0.00004; ExAC 0.00002; TOPMed 0.00004.
gnomAD v4.1: 116 of 1,613,318 alleles (0.0072%); highest among the groups gnomAD compares: South Asian, 0.024%; 1 homozygote.

Submissions (11):

Genomenon, Inc
Classification: Uncertain significance for Glycogen storage disease, type II. Last evaluated: 2026-07-01. Review status: criteria provided, single submitter. Criteria: Genomenon Sequence Variant Interpretation Standards - Updated. Collection method: curation. Allele origin: germline. Affected: yes.
Comment: GAA p.Val909Met (c.2725G>A) is a missense variant that changes the amino acid at codon 909 from Valine to Methionine. This variant has been observed in at least one proband with a GAA-related disorder in the compound heterozygous and/or homozygous state (PMID:38162137). It is absent or not present at a significant frequency in gnomAD. In conclusion, we classify GAA p.Val909Met (c.2725G>A) as a variant of uncertain significance.

Labcorp Genetics (formerly Invitae), Labcorp
Classification: Uncertain significance for Glycogen storage disease, type II. Last evaluated: 2026-01-18. Review status: criteria provided, single submitter. Criteria: Invitae Variant Classification Sherloc (09022015). Collection method: clinical testing. Allele origin: germline.
Comment: This sequence change replaces valine, which is neutral and non-polar, with methionine, which is neutral and non-polar, at codon 909 of the GAA protein (p.Val909Met). This variant is present in population databases (rs138407065, gnomAD 0.01%). This missense change has been observed in individual(s) with clinical features of Pompe disease (PMID: 33250842, 38162137, 38186848, 39678382). ClinVar contains an entry for this variant (Variation ID: 456414). Invitae Evidence Modeling of protein sequence and biophysical properties (such as structural, functional, and spatial information, amino acid conservation, physicochemical variation, residue mobility, and thermodynamic stability) indicates that this missense variant is expected to disrupt GAA protein function with a positive predictive value of 80%. In summary, the available evidence is currently insufficient to determine the role of this variant in disease. Therefore, it has been classified as a Variant of Uncertain Significance.

Revvity Omics, Revvity
Classification: Uncertain significance. Last evaluated: 2024-12-06. Review status: criteria provided, single submitter. Criteria: ACMG Guidelines, 2015. Collection method: clinical testing. Allele origin: germline.

Blueprint Genetics
Classification: Uncertain significance. Last evaluated: 2024-10-25. Review status: criteria provided, single submitter. Criteria: ACMG Guidelines, 2015. Collection method: clinical testing. Allele origin: germline.

GeneDx
Classification: Uncertain significance. Last evaluated: 2023-10-16. Review status: criteria provided, single submitter. Criteria: GeneDx Variant Classification Process June 2021. Collection method: clinical testing. Allele origin: germline. Affected: yes.
Comment: Previously reported in association with Pompe disease, however detailed clinical information and biochemical testing were not reported (Reuser AJJ et al., 2019); Not observed at significant frequency in large population cohorts (gnomAD); In silico analysis supports that this missense variant does not alter protein structure/function; Reported in ClinVar as a variant of uncertain significance by other clinical laboratories (ClinVar Variant ID# 456414; ClinVar); This variant is associated with the following publications: (PMID: 19343043, 22253258, 33250842, 33560568, 31342611)

Women's Health and Genetics/Laboratory Corporation of America, LabCorp
Classification: Uncertain significance. Last evaluated: 2023-02-13. Review status: criteria provided, single submitter. Criteria: LabCorp Variant Classification Summary - May 2015. Collection method: clinical testing. Allele origin: germline.
Comment: Variant summary: GAA c.2725G>A (p.Val909Met) results in a conservative amino acid change in the encoded protein sequence. Four of five in-silico tools predict a damaging effect of the variant on protein function. The variant allele was found at a frequency of 4e-05 in 250678 control chromosomes (gnomAD). This frequency is not significantly higher than estimated for a pathogenic variant in GAA causing Glycogen Storage Disease, Type 2 (Pompe Disease) (4e-05 vs 0.0042), allowing no conclusion about variant significance. c.2725G>A has been reported in the literature in individuals affected with Myopathy (examples: Guelly_2020 and Chakravorty_2020). These report(s) do not provide unequivocal conclusions about association of the variant with Glycogen Storage Disease, Type 2 (Pompe Disease). To our knowledge, no experimental evidence demonstrating an impact on protein function has been reported. Six clinical diagnostic laboratories have submitted clinical-significance assessments for this variant to ClinVar after 2014 and all classified the variant as uncertain significance. Based on the evidence outlined above, the variant was classified as uncertain significance.

MGZ Medical Genetics Center
Classification: Uncertain significance for Glycogen storage disease, type II. Last evaluated: 2021-10-07. Review status: criteria provided, single submitter. Criteria: ACMG Guidelines, 2015. Collection method: clinical testing. Allele origin: germline. Affected: yes. Observed: 1 variant allele.
Comment: ACMG criteria applied: PM2_SUP, PP3

Genome-Nilou Lab
Classification: Uncertain significance for Glycogen storage disease, type II. Last evaluated: 2021-09-05. Review status: criteria provided, single submitter. Criteria: ACMG Guidelines, 2015. Collection method: clinical testing. Allele origin: germline. Affected: no.

Baylor Genetics
Classification: Uncertain significance for Glycogen storage disease, type II. Last evaluated: 2018-02-13. Review status: criteria provided, single submitter. Criteria: ACMG Guidelines, 2015. Collection method: clinical testing. Allele origin: maternal. Affected: yes.
Comment: This variant was determined to be of uncertain significance according to ACMG Guidelines, 2015 [PMID:25741868].

Eurofins Ntd Llc (ga)
Classification: Uncertain significance. Last evaluated: 2018-02-06. Review status: criteria provided, single submitter. Criteria: EGL Classification Definitions 2015. Collection method: clinical testing. Allele origin: germline. Observed: 1 variant allele, 1 heterozygote.

Natera, Inc.
Classification: Uncertain significance for Glycogen storage disease type II. Last evaluated: 2020-01-24. Review status: no assertion criteria provided. Collection method: clinical testing. Allele origin: germline. Not counted in ClinVar's aggregate classification.

Literature cited by the submitters: PubMed 38162137 (cited by Genomenon, Inc and Labcorp Genetics (formerly Invitae), Labcorp); PubMed 33250842 (cited by Labcorp Genetics (formerly Invitae), Labcorp and Women's Health and Genetics/Laboratory Corporation of America, LabCorp); PubMed 38186848 (cited by Labcorp Genetics (formerly Invitae), Labcorp); PubMed 39678382 (cited by Labcorp Genetics (formerly Invitae), Labcorp); PubMed 33552729 (cited by Women's Health and Genetics/Laboratory Corporation of America, LabCorp); PubMed 33560568 (cited by Women's Health and Genetics/Laboratory Corporation of America, LabCorp).